The following is an entry in ClinVar:

ClinVar aggregate classification (germline): Uncertain significance (1 of 4 stars; one submission).

Conditions:
Cortical dysplasia-focal epilepsy syndrome (PTHSL1). Also called: Pitt-Hopkins-like syndrome 1. Identifiers: Orphanet 163681, Orphanet 221150, MedGen C2750246, MONDO:0012400, OMIM 610042.

Allele frequency attached by ClinVar (database versions not stated): gnomAD exomes below 0.00001; ExAC 0.00001.
gnomAD v4.1: 4 of 1,614,170 alleles (0.00025%); highest among the groups gnomAD compares: South Asian, 0.0033%; no homozygotes.

Submission:

Labcorp Genetics (formerly Invitae), Labcorp
Classification: Uncertain significance for Cortical dysplasia-focal epilepsy syndrome. Last evaluated: 2020-12-30. Review status: criteria provided, single submitter. Criteria: Invitae Variant Classification Sherloc (09022015). Collection method: clinical testing. Allele origin: germline.
Comment: In summary, the available evidence is currently insufficient to determine the role of this variant in disease. Therefore, it has been classified as a Variant of Uncertain Significance. Algorithms developed to predict the effect of missense changes on protein structure and function are either unavailable or do not agree on the potential impact of this missense change (SIFT: "Deleterious"; PolyPhen-2: "Benign"; Align-GVGD: "Class C0"). This variant has not been reported in the literature in individuals with CNTNAP2-related conditions. This variant is present in population databases (rs767592618, ExAC 0.006%). This sequence change replaces aspartic acid with glycine at codon 165 of the CNTNAP2 protein (p.Asp165Gly). The aspartic acid residue is moderately conserved and there is a moderate physicochemical difference between aspartic acid and glycine.

NM_014141.6(CNTNAP2):c.494A>G (p.Asp165Gly)

Gene: CNTNAP2 (contactin associated protein 2; plus strand). Cytogenetic location: 7q35.
Variant type: single nucleotide variant.
Coding change: c.494A>G on transcript NM_014141.6 (MANE Select); coding-DNA position 494, A replaced by G.
Protein change: p.Asp165Gly; replaces aspartic acid 165 with glycine.
Molecular consequence: missense variant.
Genome position (GRCh38, 1-based): chr7:147,043,998, A>G. VCF-style: chr7-147043998-A-G. GRCh37 (hg19) VCF-style: chr7-146741090-A-G.
Other names: short protein forms D165G.
Identifiers: ClinVar variation 1422833 (VCV001422833.8), dbSNP rs767592618, ClinGen allele CA4545800.